The following is an entry in ClinVar:

ClinVar aggregate classification (germline): Uncertain significance (1 of 4 stars; one submission).

gnomAD v4.1: 1 of 1,552,904 alleles (0.000064%); highest among the groups gnomAD compares: Non-Finnish European, 0.000087%; no homozygotes.

Submission:

CeGaT Center for Human Genetics Tuebingen
Classification: Uncertain significance. Last evaluated: 2024-07-01. Review status: criteria provided, single submitter. Criteria: CeGaT Center For Human Genetics Tuebingen Variant Classification Criteria Version 2. Collection method: clinical testing. Allele origin: germline. Affected: yes. Observed: 1 variant allele.
Comment: CACNA1A: PM2, PP2, PP3

NM_001127222.2(CACNA1A):c.68T>C (p.Val23Ala)

Gene: CACNA1A (calcium voltage-gated channel subunit alpha1 A; minus strand). Cytogenetic location: 19p13.13.
Variant type: single nucleotide variant.
Coding change: c.68T>C on transcript NM_001127222.2 (MANE Select); coding-DNA position 68, T replaced by C.
Protein change: p.Val23Ala; replaces valine 23 with alanine.
Molecular consequence: missense variant.
Genome position (GRCh38, 1-based): chr19:13,506,157, A>G on the plus strand (T>C on the coding strand, the complement: CACNA1A is on the minus strand). VCF-style: chr19-13506157-A-G. GRCh37 (hg19) VCF-style: chr19-13616971-A-G.
Other names: c.68T>C, p.Val23Ala (NM_000068.4, NM_001127221.2, NM_001174080.2 and 1 more transcripts); short protein forms V23A.
Identifiers: ClinVar variation 3257092 (VCV003257092.17).